The following is an entry in ClinVar:

NM_032638.5(GATA2):c.1415_*321delinsGA (p.Pro472_Ter481delinsArg)

Gene: GATA2 (GATA binding protein 2; minus strand). Cytogenetic location: 3q21.3.
Variant type: Indel.
Coding change: c.1415_*321delinsGA on transcript NM_032638.5 (MANE Select); coding-DNA position 1415 through 321 bases downstream of the stop codon, the reference bases replaced by GA.
Protein change: p.Pro472_Ter481delinsArg.
Molecular consequence: stop lost.
Genome position (GRCh38, 1-based): chr3:128,480,698-128,481,047, 350 bases replaced. GRCh37 (hg19): chr3:128,199,541-128,199,890.
Other names: c.1415_*321delinsGA, p.Pro472_Ter481delinsArg (NM_001145661.2); c.1373_*321delinsGA, p.Pro458_Ter467delinsArg (NM_001145662.1).
Identifiers: ClinVar variation 4871669 (VCV004871669.1).

ClinVar aggregate classification (germline): Uncertain significance (1 of 4 stars; one submission).

Conditions:
Inborn genetic diseases. Identifiers: MedGen C0950123, MeSH D030342.

Submission:

Ambry Genetics
Classification: Uncertain significance for Inborn genetic diseases. Last evaluated: 2026-03-19. Review status: criteria provided, single submitter. Criteria: Ambry Variant Classification Scheme 2023. Collection method: clinical testing. Allele origin: germline.
Comment: The c.1415_*321del350insGA gross deletion includes a portion of coding exon 5 through a portion of the 3' untranslated region (UTR) in the GATA2 gene, and includes the deletion of 350 nucleotides and insertion of 2 nucleotides. This deletion impacts the 3' terminus of the gene and may not trigger nonsense-mediated mRNA decay. The exact functional effect of this variant is unknown. Based on the available evidence, the clinical significance of this variant remains unclear.